The following is an entry in ClinVar:

NM_000540.3(RYR1):c.3257G>T (p.Arg1086Leu)

Gene: RYR1 (ryanodine receptor 1; plus strand). Cytogenetic location: 19q13.2.
Variant type: single nucleotide variant.
Coding change: c.3257G>T on transcript NM_000540.3 (MANE Select); coding-DNA position 3257, G replaced by T.
Protein change: p.Arg1086Leu; replaces arginine 1086 with leucine.
Molecular consequence: missense variant.
Genome position (GRCh38, 1-based): chr19:38,467,688, G>T. VCF-style: chr19-38467688-G-T. GRCh37 (hg19) VCF-style: chr19-38958328-G-T.
Other names: c.3257G>T, p.Arg1086Leu (NM_001042723.2); short protein forms R1086L.
Identifiers: ClinVar variation 4855590 (VCV004855590.1).

ClinVar aggregate classification (germline): Uncertain significance (1 of 4 stars; one submission).

Conditions:
Congenital multicore myopathy with external ophthalmoplegia (CMYO1B). Also called: MULTIMINICORE DISEASE WITH EXTERNAL OPHTHALMOPLEGIA; MULTICORE MYOPATHY; Congenital myopathy 1B, autosomal recessive; Minicore myopathy; Minicore myopathy with external ophthalmoplegia. Identifiers: Orphanet 598, Orphanet 98905, MedGen C1850674, MONDO:0009712, OMIM 255320, HP:0003789.

gnomAD v4.1: 1 of 1,614,250 alleles (0.000062%); highest among the groups gnomAD compares: South Asian, 0.0011%; no homozygotes.

Submission:

3billion
Classification: Uncertain significance for Congenital multicore myopathy with external ophthalmoplegia. Last evaluated: 2025-07-01. Review status: criteria provided, single submitter. Criteria: ACMG Guidelines, 2015. Collection method: clinical testing. Allele origin: germline. Affected: yes.
Comment: The variant is observed at an extremely low frequency in the gnomAD v4.1.0 dataset (total allele frequency: <0.001%). Predicted Consequence/Location: Missense variant Damaging effect on gene or gene product predicted by in silico programs is uncertain [REVEL: 0.54 (damaging >=0.6, benign <0.4), 3Cnet: 0.69 (damaging >0.75, benign <0.1)]. Different missense changes at the same codon have been reported as of uncertain significance (ClinVar ID: VCV001310975, VCV000572240; 3billion dataset). Therefore, this variant is classified as VUS according to the recommendation of ACMG/AMP guideline.